The following is an entry in ClinVar:

ClinVar aggregate classification (germline): Likely benign. Review status: criteria provided, multiple submitters, no conflicts (2 of 4 stars). 4 submissions from 4 submitters: Likely benign (3). 1 of the submissions does not count toward it. Last evaluated 2025-09-26.

Conditions:
ELP1-related disorder. Also called: ELP1-related condition.
Medulloblastoma (MDB). Also called: MEDULLOBLASTOMA PREDISPOSITION SYNDROME; Medulloblastoma, somatic. Identifiers: Orphanet 616, MedGen C0025149, MeSH D008527, MONDO:0007959, OMIM 155255, HP:0002885.
Familial dysautonomia. Also called: HSAN III; FD. Identifiers: Orphanet 1764, MedGen C0013364, MONDO:0009131, OMIM 223900. Disease mechanism: loss of function.

Allele frequency attached by ClinVar (database versions not stated): gnomAD exomes 0.00001; ExAC 0.00002; gnomAD 0.00011 and 0.00012; TOPMed 0.00011; ESP Exome Variant Server 0.00015.
gnomAD v4.1: 31 of 1,592,196 alleles (0.0019%); highest among the groups gnomAD compares: African/African-American, 0.039%; no homozygotes.

Submissions (4):

Labcorp Genetics (formerly Invitae), Labcorp
Classification: Likely benign. Last evaluated: 2025-09-26. Review status: criteria provided, single submitter. Criteria: Invitae Variant Classification Sherloc (09022015). Collection method: clinical testing. Allele origin: germline.

PreventionGenetics, part of Exact Sciences
Classification: Likely benign for ELP1-related condition. Last evaluated: 2025-04-27. Review status: criteria provided, single submitter. Criteria: ACMG Guidelines, 2015. Collection method: clinical testing. Allele origin: germline.
Comment: This variant is classified as likely benign based on ACMG/AMP sequence variant interpretation guidelines (Richards et al. 2015 PMID: 25741868, with internal and published modifications).

Fulgent Genetics
Classification: Likely benign for Medulloblastoma; Familial dysautonomia. Last evaluated: 2022-05-09. Review status: criteria provided, single submitter. Criteria: ACMG Guidelines, 2015. Collection method: clinical testing. Allele origin: unknown.

Natera, Inc.
Classification: Likely benign for Familial dysautonomia. Last evaluated: 2020-09-16. Review status: no assertion criteria provided. Collection method: clinical testing. Allele origin: germline. Not counted in ClinVar's aggregate classification.

NM_003640.5(ELP1):c.2205-7C>T

Gene: ELP1 (elongator acetyltransferase complex subunit 1; minus strand). Cytogenetic location: 9q31.3.
Variant type: single nucleotide variant.
Coding change: c.2205-7C>T on transcript NM_003640.5 (MANE Select); 7 bases into the intron before coding-DNA position 2205, C replaced by T.
Molecular consequence: intron variant.
Genome position (GRCh38, 1-based): chr9:108,898,756, G>A on the plus strand (C>T on the coding strand, the complement: ELP1 is on the minus strand). VCF-style: chr9-108898756-G-A. GRCh37 (hg19) VCF-style: chr9-111661036-G-A.
Other names: c.1863-7C>T (NM_001318360.2); c.1158-7C>T (NM_001330749.2); c.2205-7C>T (NM_003640.4).
Identifiers: ClinVar variation 704840 (VCV000704840.13), dbSNP rs148221146, ClinGen allele CA5174731.
Genomic context (GRCh38, chr9:108,898,756, plus strand): 5'-TTGAGATTGATTCTCAGCTTTCTCATGCATTCAAATGCCTCTTTAAACATAAGTCTGTGA[G>A]AAGACAGAGAAAGAATAGAAAAGATATTCACAAAAACTGAGCTCCATGGGCCCAGCATAT-3'